The following is an entry in ClinVar:

NM_000393.5(COL5A2):c.1114G>T (p.Gly372Trp)

Gene: COL5A2 (collagen type V alpha 2 chain; minus strand). Cytogenetic location: 2q32.2.
Variant type: single nucleotide variant.
Coding change: c.1114G>T on transcript NM_000393.5 (MANE Select); coding-DNA position 1114, G replaced by T.
Protein change: p.Gly372Trp; replaces glycine 372 with tryptophan.
Molecular consequence: missense variant.
Genome position (GRCh38, 1-based): chr2:189,072,084, C>A on the plus strand (G>T on the coding strand, the complement: COL5A2 is on the minus strand). VCF-style: chr2-189072084-C-A. GRCh37 (hg19) VCF-style: chr2-189936810-C-A.
Other names: short protein forms G372W.
Identifiers: ClinVar variation 3770975 (VCV003770975.13).

ClinVar aggregate classification (germline): Likely pathogenic (1 of 4 stars; one submission).

Submission:

CeGaT Center for Human Genetics Tuebingen
Classification: Likely pathogenic. Last evaluated: 2025-02-01. Review status: criteria provided, single submitter. Criteria: CeGaT Center For Human Genetics Tuebingen Variant Classification Criteria Version 2. Collection method: clinical testing. Allele origin: germline. Affected: yes. Observed: 1 variant allele.
Comment: COL5A2: PM1, PM2, PP2, PP3